The following is an entry in ClinVar:

ClinVar aggregate classification (germline): Likely benign (1 of 4 stars; one submission).

Allele frequency attached by ClinVar (database versions not stated): 1000 Genomes Project 30x 0.00016; 1000 Genomes Project 0.00020; TOPMed 0.00100; ESP Exome Variant Server 0.00131; gnomAD exomes 0.00147; gnomAD 0.00222; ExAC 0.00279.
gnomAD v4.1: 2,286 of 1,498,256 alleles (0.15%); highest among the groups gnomAD compares: Non-Finnish European, 0.13%; 17 homozygotes.

Submission:

CeGaT Center for Human Genetics Tuebingen
Classification: Likely benign. Last evaluated: 2023-02-01. Review status: criteria provided, single submitter. Criteria: CeGaT Center For Human Genetics Tuebingen Variant Classification Criteria Version 2. Collection method: clinical testing. Allele origin: germline. Affected: yes. Observed: 1 variant allele.
Comment: EML6: BS2

NM_001039753.4(EML6):c.3510A>G (p.Ile1170Met)

Gene: EML6 (EMAP like 6; plus strand). Cytogenetic location: 2p16.1.
Variant type: single nucleotide variant.
Coding change: c.3510A>G on transcript NM_001039753.4 (MANE Select); coding-DNA position 3510, A replaced by G.
Protein change: p.Ile1170Met; replaces isoleucine 1170 with methionine.
Molecular consequence: missense variant.
Genome position (GRCh38, 1-based): chr2:54,916,770, A>G. VCF-style: chr2-54916770-A-G. GRCh37 (hg19) VCF-style: chr2-55143907-A-G.
Other names: short protein forms I1170M.
Identifiers: ClinVar variation 2650937 (VCV002650937.24), dbSNP rs189742399, ClinGen allele CA1662459.